The following is an entry in ClinVar:

ClinVar aggregate classification (germline): Likely benign (0 of 4 stars; one submission).

Conditions:
RTTN-related disorder. Also called: RTTN-related condition.

Allele frequency attached by ClinVar (database versions not stated): TOPMed below 0.00001; gnomAD 0.00001.
gnomAD v4.1: 1 of 1,612,140 alleles (0.000062%); highest among the groups gnomAD compares: Non-Finnish European, 0.000085%; no homozygotes.

Submission:

PreventionGenetics, part of Exact Sciences
Classification: Likely benign for RTTN-related condition. Last evaluated: 2022-06-09. Review status: no assertion criteria provided. Collection method: clinical testing. Allele origin: germline.
Comment: This variant is classified as likely benign based on ACMG/AMP sequence variant interpretation guidelines (Richards et al. 2015 PMID: 25741868, with internal and published modifications).

NM_173630.4(RTTN):c.6421+9T>C

Gene: RTTN (rotatin; minus strand). Cytogenetic location: 18q22.2.
Variant type: single nucleotide variant.
Coding change: c.6421+9T>C on transcript NM_173630.4 (MANE Select); 9 bases into the intron after coding-DNA position 6421, T replaced by C.
Molecular consequence: intron variant.
Genome position (GRCh38, 1-based): chr18:70,017,398, A>G on the plus strand (T>C on the coding strand, the complement: RTTN is on the minus strand). VCF-style: chr18-70017398-A-G. GRCh37 (hg19) VCF-style: chr18-67684634-A-G.
Other names: c.3685+9T>C (NM_001318520.2).
Identifiers: ClinVar variation 3046775 (VCV003046775.2), dbSNP rs2056572395, ClinGen allele CA991593579.